The following is an entry in ClinVar:

ClinVar aggregate classification (germline): Likely benign (1 of 4 stars; one submission).

Conditions:
TUBA4A-related disorder. Also called: TUBA4A-related condition.

Submission:

PreventionGenetics, part of Exact Sciences
Classification: Likely benign for TUBA4A-related condition. Last evaluated: 2025-02-13. Review status: criteria provided, single submitter. Criteria: ACMG Guidelines, 2015. Collection method: clinical testing. Allele origin: germline.
Comment: This variant is classified as likely benign based on ACMG/AMP sequence variant interpretation guidelines (Richards et al. 2015 PMID: 25741868, with internal and published modifications).

NM_006000.3(TUBA4A):c.1161C>G (p.Ala387=)

Gene: TUBA4A (tubulin alpha 4a; minus strand). Cytogenetic location: 2q35.
Variant type: single nucleotide variant.
Coding change: c.1161C>G on transcript NM_006000.3 (MANE Select); coding-DNA position 1161, C replaced by G.
Protein change: p.Ala387=; no amino-acid change (alanine 387 retained).
Molecular consequence: synonymous variant.
Genome position (GRCh38, 1-based): chr2:219,250,538, G>C on the plus strand (C>G on the coding strand, the complement: TUBA4A is on the minus strand). VCF-style: chr2-219250538-G-C. GRCh37 (hg19) VCF-style: chr2-220115260-G-C.
Other names: c.1116C>G, p.Ala372= (NM_001278552.2).
Identifiers: ClinVar variation 4990080 (VCV004990080.1).